The following is an entry in ClinVar:

ClinVar aggregate classification (germline): Uncertain significance (1 of 4 stars; one submission).

Conditions:
Propionic acidemia (PROP). Also called: HYPERGLYCINEMIA WITH KETOACIDOSIS AND LEUKOPENIA; KETOTIC HYPERGLYCINEMIA; GLYCINEMIA, KETOTIC. Identifiers: Orphanet 35, MedGen C0268579, MONDO:0011628, OMIM 606054, HP:0003571.

Allele frequency attached by ClinVar (database versions not stated): gnomAD 0.00001; TOPMed 0.00002.
gnomAD v4.1: 2 of 1,613,852 alleles (0.00012%); highest among the groups gnomAD compares: Non-Finnish European, 0.00017%; no homozygotes.

Submission:

Labcorp Genetics (formerly Invitae), Labcorp
Classification: Uncertain significance for Propionic acidemia. Last evaluated: 2022-05-20. Review status: criteria provided, single submitter. Criteria: Invitae Variant Classification Sherloc (09022015). Collection method: clinical testing. Allele origin: germline.
Comment: This sequence change replaces arginine, which is basic and polar, with glycine, which is neutral and non-polar, at codon 67 of the PCCB protein (p.Arg67Gly). This variant is not present in population databases (gnomAD no frequency). This variant has not been reported in the literature in individuals affected with PCCB-related conditions. Advanced modeling of protein sequence and biophysical properties (such as structural, functional, and spatial information, amino acid conservation, physicochemical variation, residue mobility, and thermodynamic stability) performed at Invitae indicates that this missense variant is expected to disrupt PCCB protein function. In summary, the available evidence is currently insufficient to determine the role of this variant in disease. Therefore, it has been classified as a Variant of Uncertain Significance.

NM_000532.5(PCCB):c.199A>G (p.Arg67Gly)

Gene: PCCB (propionyl-CoA carboxylase subunit beta; plus strand). Cytogenetic location: 3q22.3.
Variant type: single nucleotide variant.
Coding change: c.199A>G on transcript NM_000532.5 (MANE Select); coding-DNA position 199, A replaced by G.
Protein change: p.Arg67Gly; replaces arginine 67 with glycine.
Molecular consequence: missense variant.
Genome position (GRCh38, 1-based): chr3:136,255,871, A>G. VCF-style: chr3-136255871-A-G. GRCh37 (hg19) VCF-style: chr3-135974713-A-G.
Other names: c.199A>G, p.Arg67Gly (NM_001178014.2); short protein forms R67G.
Identifiers: ClinVar variation 2137886 (VCV002137886.1), dbSNP rs1483202848, ClinGen allele CA354738381.
Genomic context (GRCh38, chr3:136,255,871, plus strand): 5'-AATTGTCTGTGATGACATCACTGAGTGATCTTTGTTCCATTGTAGGGAAAGCTAACAGCC[A>G]GGGAGAGGATCAGTCTCTTGCTGGACCCTGGCAGCTTTGTTGAGAGCGACATGTTTGTGG-3'
Protein context (NP_000523.2, residues 57-77): AQHKRGKLTA[Arg67Gly]ERISLLLDPG